The following is an entry in ClinVar:

NM_001379291.1(BRD4):c.3322GTG[2] (p.Val1110del)

Gene: BRD4 (bromodomain containing 4; minus strand). Cytogenetic location: 19p13.12.
Variant type: Microsatellite.
Coding change: c.3322GTG[2] on transcript NM_001379291.1 (MANE Select); two copies in a row of the 3-base unit GTG starting at c.3322; the reference has three copies in a row; one copy, 3 bases deleted.
Protein change: p.Val1110del; deletes valine 1110.
Molecular consequence: inframe deletion.
Genome position (GRCh38, 1-based): chr19:15,239,774-15,239,776, CAC deleted on the plus strand (GTG on the coding strand, the reverse complement: BRD4 is on the minus strand); deleting any 3 consecutive bases within chr19:15,239,774-15,239,782 gives the same sequence; the position shown is the placement nearest the transcript's 3' end. VCF-style (leftmost placement, unchanged base first): chr19-15239773-TCAC-T. GRCh37 (hg19) VCF-style: chr19-15350584-TCAC-T.
Other names: c.3322GTG[2], p.Val1110del (NM_058243.3); short protein forms V1110del.
Identifiers: ClinVar variation 2415289 (VCV002415289.14), dbSNP rs771140069, ClinGen allele CA9264711.
Genomic context (GRCh38, chr19:15,239,773, plus strand): 5'-GCCGCAGCGAGGGGCTGAAGGGCTCGCTGCGGATGATGGGTGAGTGGATCTTCTCCTCCT[TCAC>T]CACCACGAGGGGCTGGGGCTGGACCACGGAGGCAGCACGCAGCTCCTGGGATGGCACAGG-3'

ClinVar aggregate classification (germline): Likely benign. Review status: criteria provided, multiple submitters, no conflicts (2 of 4 stars). 2 submissions from 2 submitters: Likely benign (2). Last evaluated 2025-07-01.

Submissions (2):

CeGaT Center for Human Genetics Tuebingen
Classification: Likely benign. Last evaluated: 2025-07-01. Review status: criteria provided, single submitter. Criteria: CeGaT Center For Human Genetics Tuebingen Variant Classification Criteria Version 2. Collection method: clinical testing. Allele origin: germline. Affected: yes. Observed: 1 variant allele.
Comment: BRD4: PM4:Supporting, BS2

Labcorp Genetics (formerly Invitae), Labcorp
Classification: Likely benign. Last evaluated: 2024-10-03. Review status: criteria provided, single submitter. Criteria: Invitae Variant Classification Sherloc (09022015). Collection method: clinical testing. Allele origin: germline.